The following is an entry in ClinVar:

NM_001042492.3(NF1):c.4306G>T (p.Glu1436Ter)

Gene: NF1 (neurofibromin 1; plus strand). Cytogenetic location: 17q11.2.
Variant type: single nucleotide variant.
Coding change: c.4306G>T on transcript NM_001042492.3 (MANE Select); coding-DNA position 4306, G replaced by T.
Protein change: p.Glu1436Ter; replaces glutamic acid 1436 with a stop codon.
Molecular consequence: nonsense.
Genome position (GRCh38, 1-based): chr17:31,258,476, G>T. VCF-style: chr17-31258476-G-T. GRCh37 (hg19) VCF-style: chr17-29585494-G-T.
Other names: c.4243G>T, p.Glu1415Ter (NM_000267.4); short protein forms E1415*, E1436*.
Identifiers: ClinVar variation 547643 (VCV000547643.13), dbSNP rs876660428, ClinGen allele CA398998084.

ClinVar aggregate classification (germline): Pathogenic. Review status: criteria provided, multiple submitters, no conflicts (2 of 4 stars). 6 submissions from 6 submitters: Pathogenic (6). Last evaluated 2026-07-28.

Conditions:
Cardiovascular phenotype. Identifiers: MedGen CN230736.
Hereditary cancer-predisposing syndrome. Also called: Hereditary Cancer Syndrome; Tumor predisposition; Hereditary neoplastic syndrome; Neoplastic Syndromes, Hereditary. Identifiers: Orphanet 140162, MedGen C0027672, MeSH D009386, MONDO:0015356.
Neurofibromatosis, type 1 (NF1). Also called: Peripheral type neurofibromatosis; Neurofibromatosis, type I; VON RECKLINGHAUSEN DISEASE; NEUROFIBROMATOSIS, TYPE I, SOMATIC. Identifiers: Orphanet 636, MedGen C0027831, MONDO:0018975, OMIM 162200. Disease mechanism: loss of function.

Submissions (6):

Ambry Genetics
Classification: Pathogenic for Cardiovascular phenotype; Hereditary cancer-predisposing syndrome. Last evaluated: 2026-07-28. Review status: criteria provided, single submitter. Criteria: Ambry Variant Classification Scheme 2023. Collection method: clinical testing. Allele origin: germline.
Comment: The p.E1415* pathogenic mutation (also known as c.4243G>T), located in coding exon 31 of the NF1 gene, results from a G to T substitution at nucleotide position 4243. This changes the amino acid from a glutamic acid to a stop codon within coding exon 31. This variant was reported in individuals with features consistent with neurofibromatosis type 1 (Fahsold R et al. Am J Hum Genet, 2000 Mar;66:790-818; De Luca A et al. Am J Hum Genet, 2005 Dec;77:1092-101; Lee MJ et al. Hum Mutat, 2006 Aug;27:832; Sabbagh A et al. Hum Mutat, 2013 Nov;34:1510-8). This variant is considered to be rare based on population cohorts in the Genome Aggregation Database (gnomAD). This alteration is expected to result in loss of function by premature protein truncation or nonsense-mediated mRNA decay. As such, this alteration is interpreted as a disease-causing mutation.

3billion
Classification: Pathogenic for Neurofibromatosis, type 1. Last evaluated: 2025-12-09. Review status: criteria provided, single submitter. Criteria: ACMG Guidelines, 2015. Collection method: clinical testing. Allele origin: germline. Affected: yes.
Comment: The variant is not observed in the gnomAD v4.1.0 dataset. Predicted Consequence/Location: Stop-gained (nonsense): predicted to result in a loss or disruption of normal protein function through nonsense-mediated decay (NMD) or protein truncation. Multiple pathogenic variants are reported downstream of the variant. The variant has been reported at least twice as pathogenic with clinical assertions and evidence for the classification (ClinVar ID: VCV000547643 /PMID: 10712197). Therefore, this variant is classified as Pathogenic according to the recommendation of ACMG/AMP guideline.

Labcorp Genetics (formerly Invitae), Labcorp
Classification: Pathogenic for Neurofibromatosis, type 1. Last evaluated: 2022-10-05. Review status: criteria provided, single submitter. Criteria: Invitae Variant Classification Sherloc (09022015). Collection method: clinical testing. Allele origin: germline.
Comment: For these reasons, this variant has been classified as Pathogenic. ClinVar contains an entry for this variant (Variation ID: 547643). This premature translational stop signal has been observed in individual(s) with neurofibromatosis–Noonan syndrome and neurofibromatosis type 1 (PMID: 10712197, 16835897, 19845691). This variant is not present in population databases (gnomAD no frequency). This sequence change creates a premature translational stop signal (p.Glu1415*) in the NF1 gene. It is expected to result in an absent or disrupted protein product. Loss-of-function variants in NF1 are known to be pathogenic (PMID: 10712197, 23913538).

Genome-Nilou Lab
Classification: Pathogenic for Neurofibromatosis, type 1. Last evaluated: 2022-03-15. Review status: criteria provided, single submitter. Criteria: ACMG Guidelines, 2015. Collection method: clinical testing. Allele origin: germline. Affected: no.

GeneDx
Classification: Pathogenic. Last evaluated: 2019-07-26. Review status: criteria provided, single submitter. Criteria: GeneDx Variant Classification Process June 2021. Collection method: clinical testing. Allele origin: germline. Affected: yes.
Comment: Not observed in large population cohorts (Lek et al., 2016); This variant is associated with the following publications: (PMID: 31776437, 16835897, 16380919, 25525159, 10712197)

Center for Human Genetics, Inc
Classification: Pathogenic for Neurofibromatosis, type 1. Last evaluated: 2016-11-01. Review status: criteria provided, single submitter. Criteria: ACMG Guidelines, 2015. Collection method: clinical testing. Allele origin: germline. Affected: yes.

Literature cited by the submitters: PubMed 10712197 (cited by 3 submitters); PubMed 16380919 (cited by Ambry Genetics); PubMed 16835897 (cited by Ambry Genetics and Labcorp Genetics (formerly Invitae), Labcorp); PubMed 23913538 (cited by Ambry Genetics and Labcorp Genetics (formerly Invitae), Labcorp); PubMed 19845691 (cited by Labcorp Genetics (formerly Invitae), Labcorp).